The following is an entry in ClinVar:

NM_001350451.2(RBFOX3):c.593G>A (p.Gly198Asp)

Gene: RBFOX3 (RNA binding fox-1 homolog 3; minus strand). Cytogenetic location: 17q25.3.
Variant type: single nucleotide variant.
Coding change: c.593G>A on transcript NM_001350451.2 (MANE Select); coding-DNA position 593, G replaced by A.
Protein change: p.Gly198Asp; replaces glycine 198 with aspartic acid.
Molecular consequence: missense variant.
Genome position (GRCh38, 1-based): chr17:79,097,721, C>T on the plus strand (G>A on the coding strand, the complement: RBFOX3 is on the minus strand). VCF-style: chr17-79097721-C-T. GRCh37 (hg19) VCF-style: chr17-77093803-C-T.
Other names: c.593G>A, p.Gly198Asp (NM_001385804.1, NM_001385805.1, NM_001385807.1 and 33 more transcripts); c.590G>A, p.Gly197Asp (NM_001385806.1, NM_001385823.1, NM_001385843.1 and 4 more transcripts); c.500G>A, p.Gly167Asp (NM_001385824.1); c.614G>A, p.Gly205Asp (NM_001385827.1); c.446G>A, p.Gly149Asp (NM_001385847.1); short protein forms G167D, G198D, G205D, G149D, G197D.
Identifiers: ClinVar variation 2915534 (VCV002915534.3), dbSNP rs2075648974, ClinGen allele CA401316694.
Genomic context (GRCh38, chr17:79,097,721, plus strand): 5'-CATCCCATCCCCGCCCCGCCCCAGCTTTTACCTGCATAGAATTCAGGCCCGTAGACTGCG[C>T]CGACCACTGGATTTAGCTTCCAGCCTAAAACAAAGGCACAGAGACCTAGTCACTGCCTTC-3'
Protein context (NP_001337380.1, residues 188-208): TNGWKLNPVV[Gly198Asp]AVYGPEFYAV

ClinVar aggregate classification (germline): Uncertain significance (1 of 4 stars; one submission).

Conditions:
Idiopathic generalized epilepsy. Also called: Generalised epilepsy; EIG. Identifiers: MedGen C0270850, MONDO:0005579, OMIM 600669.

Allele frequency attached by ClinVar (database versions not stated): gnomAD 0.00001; TOPMed 0.00001.
gnomAD v4.1: 20 of 1,551,016 alleles (0.0013%); highest among the groups gnomAD compares: Non-Finnish European, 0.0016%; no homozygotes.

Submission:

Labcorp Genetics (formerly Invitae), Labcorp
Classification: Uncertain significance for Idiopathic generalized epilepsy. Last evaluated: 2022-12-13. Review status: criteria provided, single submitter. Criteria: Invitae Variant Classification Sherloc (09022015). Collection method: clinical testing. Allele origin: germline.
Comment: In summary, the available evidence is currently insufficient to determine the role of this variant in disease. Therefore, it has been classified as a Variant of Uncertain Significance. Advanced modeling of protein sequence and biophysical properties (such as structural, functional, and spatial information, amino acid conservation, physicochemical variation, residue mobility, and thermodynamic stability) has been performed at Invitae for this missense variant, however the output from this modeling did not meet the statistical confidence thresholds required to predict the impact of this variant on RBFOX3 protein function. This variant has not been reported in the literature in individuals affected with RBFOX3-related conditions. This variant is not present in population databases (gnomAD no frequency). This sequence change replaces glycine, which is neutral and non-polar, with aspartic acid, which is acidic and polar, at codon 198 of the RBFOX3 protein (p.Gly198Asp).